The following is an entry in ClinVar:

NM_001365951.3(KIF1B):c.3220A>G (p.Ile1074Val)

Gene: KIF1B (kinesin family member 1B; plus strand). Cytogenetic location: 1p36.22.
Variant type: single nucleotide variant.
Coding change: c.3220A>G on transcript NM_001365951.3 (MANE Select); coding-DNA position 3220, A replaced by G.
Protein change: p.Ile1074Val; replaces isoleucine 1074 with valine.
Molecular consequence: missense variant.
Genome position (GRCh38, 1-based): chr1:10,337,164, A>G. VCF-style: chr1-10337164-A-G. GRCh37 (hg19) VCF-style: chr1-10397222-A-G.
Other names: c.3220A>G, p.Ile1074Val (NM_001365952.1); c.3082A>G, p.Ile1028Val (NM_015074.3); short protein forms I1074V, I1028V.
Identifiers: ClinVar variation 1447558 (VCV001447558.11), dbSNP rs1171524410, ClinGen allele CA338339973.
Genomic context (GRCh38, chr1:10,337,164, plus strand): 5'-TCTGGTCTGTCCTTGGAGGAGTTGAGGATTGTGGAAGGACAGGGTCAGAGTTCTGAGGTC[A>G]TCACTCCTCCAGAAGAAATCAGTCGAATTAATGACTTGGGTATGTAGACATAGTTTACTG-3'
Protein context (NP_001352880.1, residues 1064-1084): VEGQGQSSEV[Ile1074Val]TPPEEISRIN

ClinVar aggregate classification (germline): Uncertain significance. Review status: criteria provided, multiple submitters, no conflicts (2 of 4 stars). 2 submissions from 2 submitters: Uncertain significance (2). Last evaluated 2024-11-29.

Conditions:
Charcot-Marie-Tooth disease type 2. Also called: Charcot-Marie-Tooth type 2. Identifiers: Orphanet 64746, MedGen C0270914, MONDO:0018993.

Allele frequency attached by ClinVar (database versions not stated): gnomAD exomes below 0.00001; gnomAD 0.00001; TOPMed 0.00001.
gnomAD v4.1: 3 of 1,614,090 alleles (0.00019%); highest among the groups gnomAD compares: African/African-American, 0.004%; no homozygotes.

Submissions (2):

Ambry Genetics
Classification: Uncertain significance. Last evaluated: 2024-11-29. Review status: criteria provided, single submitter. Criteria: Ambry Variant Classification Scheme 2023. Collection method: clinical testing. Allele origin: germline.
Comment: The p.I1028V variant (also known as c.3082A>G), located in coding exon 27 of the KIF1B gene, results from an A to G substitution at nucleotide position 3082. The isoleucine at codon 1028 is replaced by valine, an amino acid with highly similar properties. This amino acid position is well conserved in available vertebrate species. In addition, this alteration is predicted to be tolerated by in silico analysis. The evidence for this gene-disease relationship is limited; therefore, the clinical significance of this alteration is unclear.

Labcorp Genetics (formerly Invitae), Labcorp
Classification: Uncertain significance for Charcot-Marie-Tooth disease type 2. Last evaluated: 2021-05-07. Review status: criteria provided, single submitter. Criteria: Invitae Variant Classification Sherloc (09022015). Collection method: clinical testing. Allele origin: germline.
Comment: In summary, the available evidence is currently insufficient to determine the role of this variant in disease. Therefore, it has been classified as a Variant of Uncertain Significance. This sequence change replaces isoleucine with valine at codon 1028 of the KIF1B protein (p.Ile1028Val). The isoleucine residue is moderately conserved and there is a small physicochemical difference between isoleucine and valine. This variant is not present in population databases (ExAC no frequency). This variant has not been reported in the literature in individuals with KIF1B-related conditions. Algorithms developed to predict the effect of missense changes on protein structure and function are either unavailable or do not agree on the potential impact of this missense change (SIFT: "Deleterious"; PolyPhen-2: "Benign"; Align-GVGD: "Class C0").